The following is an entry in ClinVar:

ClinVar aggregate classification (germline): Likely benign (1 of 4 stars; one submission).

gnomAD v4.1: 1 of 1,614,094 alleles (0.000062%); highest among the groups gnomAD compares: Non-Finnish European, 0.000085%; no homozygotes.

Submission:

CeGaT Center for Human Genetics Tuebingen
Classification: Likely benign. Last evaluated: 2026-07-01. Review status: criteria provided, single submitter. Criteria: CeGaT Center For Human Genetics Tuebingen Variant Classification Criteria Version 2. Collection method: clinical testing. Allele origin: germline. Affected: yes. Observed: 1 variant allele.
Comment: FRMD5: BP4, BP7

NM_032892.5(FRMD5):c.1431A>G (p.Gly477=)

Gene: FRMD5 (FERM domain containing 5; minus strand). Cytogenetic location: 15q15.3.
Variant type: single nucleotide variant.
Coding change: c.1431A>G on transcript NM_032892.5 (MANE Select); coding-DNA position 1431, A replaced by G.
Protein change: p.Gly477=; no amino-acid change (glycine 477 retained).
Molecular consequence: synonymous variant. On other transcripts: non-coding transcript variant (1).
Genome position (GRCh38, 1-based): chr15:43,874,167, T>C on the plus strand (A>G on the coding strand, the complement: FRMD5 is on the minus strand). VCF-style: chr15-43874167-T-C. GRCh37 (hg19) VCF-style: chr15-44166365-T-C.
Other names: c.1149A>G, p.Gly383= (NM_001286490.2); c.729A>G, p.Gly243= (NM_001286491.2); c.1431A>G, p.Gly477= (NM_001322949.2, NM_001322950.2, NM_001411124.1); c.1326A>G, p.Gly442= (NM_001322951.2).
Identifiers: ClinVar variation 5039218 (VCV005039218.1).